The following is an entry in ClinVar:

ClinVar aggregate classification (germline): Uncertain significance (1 of 4 stars; one submission).

Submission:

Ambry Genetics
Classification: Uncertain significance. Last evaluated: 2025-01-20. Review status: criteria provided, single submitter. Criteria: Ambry Variant Classification Scheme 2023. Collection method: clinical testing. Allele origin: germline.
Comment: The p.K1094E variant (also known as c.3280A>G), located in coding exon 1 of the TET2 gene, results from an A to G substitution at nucleotide position 3280. The lysine at codon 1094 is replaced by glutamic acid, an amino acid with similar properties. This amino acid position is conserved. In addition, the in silico prediction for this alteration is inconclusive. Based on the available evidence, the clinical significance of this variant remains unclear.

NM_001127208.3(TET2):c.3280A>G (p.Lys1094Glu)

Genes: TET2 (tet methylcytosine dioxygenase 2; plus strand), TET2-AS1 (TET2 antisense RNA 1; minus strand). Cytogenetic location: 4q24.
Variant type: single nucleotide variant.
Coding change: c.3280A>G on transcript NM_001127208.3 (MANE Select); coding-DNA position 3280, A replaced by G.
Protein change: p.Lys1094Glu; replaces lysine 1094 with glutamic acid.
Molecular consequence: missense variant.
Genome position (GRCh38, 1-based): chr4:105,237,222, A>G. VCF-style: chr4-105237222-A-G. GRCh37 (hg19) VCF-style: chr4-106158379-A-G.
Other names: c.3280A>G, p.Lys1094Glu (NM_017628.4); short protein forms K1094E.
Identifiers: ClinVar variation 3805984 (VCV003805984.1).